The following is an entry in ClinVar:

NM_001372.4(DNAH9):c.12406C>T (p.Arg4136Ter)

Gene: DNAH9 (dynein axonemal heavy chain 9; plus strand). Cytogenetic location: 17p12.
Variant type: single nucleotide variant.
Coding change: c.12406C>T on transcript NM_001372.4 (MANE Select); coding-DNA position 12406, C replaced by T.
Protein change: p.Arg4136Ter; replaces arginine 4136 with a stop codon.
Molecular consequence: nonsense.
Genome position (GRCh38, 1-based): chr17:11,933,988, C>T. VCF-style: chr17-11933988-C-T. GRCh37 (hg19) VCF-style: chr17-11837305-C-T.
Other names: c.12406C>T (NM_001372.3); c.1342C>T, p.Arg448Ter (NM_004662.2); short protein forms R4136*, R448*.
Identifiers: ClinVar variation 2959185 (VCV002959185.8), dbSNP rs372892940, ClinGen allele CA8398146.

ClinVar aggregate classification (germline): Pathogenic/Likely pathogenic. Review status: criteria provided, multiple submitters, no conflicts (2 of 4 stars). 5 submissions from 5 submitters: Pathogenic (2); Likely pathogenic (3). Last evaluated 2026-01-10.

Conditions:
Ciliary dyskinesia, primary, 40. Also called: CILIARY DYSKINESIA, PRIMARY, 40, WITH OR WITHOUT SITUS INVERSUS. Identifiers: MedGen C4749028, MONDO:0032664, OMIM 618300.
DNAH9-related disorder. Also called: DNAH9-related condition.
Ciliary dyskinesia, primary, 50 (CILD50). Identifiers: MedGen C5830473, MONDO:0957252, OMIM 620356.

Allele frequency attached by ClinVar (database versions not stated): ExAC 0.00003; ESP Exome Variant Server 0.00008; TOPMed 0.00012.
gnomAD v4.1: 37 of 1,614,044 alleles (0.0023%); highest among the groups gnomAD compares: African/African-American, 0.025%; no homozygotes.

Submissions (5):

GeneDx
Classification: Pathogenic. Last evaluated: 2026-01-10. Review status: criteria provided, single submitter. Criteria: GeneDx Variant Classification Process June 2021. Collection method: clinical testing. Allele origin: germline.
Comment: Reported as a de novo variant in association with schizophrenia in published literature, but detailed clinical information was not provided (PMID: 31932770); Nonsense variant predicted to result in protein truncation or nonsense mediated decay in a gene for which loss of function is a known mechanism of disease; This variant is associated with the following publications: (PMID: 31932770)

Labcorp Genetics (formerly Invitae), Labcorp
Classification: Pathogenic. Last evaluated: 2025-03-22. Review status: criteria provided, single submitter. Criteria: Invitae Variant Classification Sherloc (09022015). Collection method: clinical testing. Allele origin: germline.
Comment: This sequence change creates a premature translational stop signal (p.Arg4136*) in the DNAH9 gene. It is expected to result in an absent or disrupted protein product. Loss-of-function variants in DNAH9 are known to be pathogenic (PMID: 30471718). This variant is present in population databases (rs372892940, gnomAD 0.02%). This variant has not been reported in the literature in individuals affected with DNAH9-related conditions. ClinVar contains an entry for this variant (Variation ID: 2959185). For these reasons, this variant has been classified as Pathogenic.

Johns Hopkins Genomics, Johns Hopkins University
Classification: Likely pathogenic for Ciliary dyskinesia, primary, 50. Last evaluated: 2025-02-03. Review status: criteria provided, single submitter. Criteria: ACMG Guidelines, 2015. Collection method: clinical testing. Allele origin: germline.
Comment: This DNAH9 nonsense variant (rs372892940) is rare (<0.1%) in a large population dataset (gnomADv4.1.0: 37/1614044 total alleles; 0.002%; no homozygotes) and has been reported in ClinVar (Variation ID: 2959185). It has not been reported in the literature in individuals with primary ciliary dyskinesia 40, to our knowledge. This nonsense variant results in a premature stop codon in exon 65 of 69 likely leading to nonsense-mediated decay and lack of protein production. We consider DNAH9 c.12406C>T to be likely pathogenic.

Department of Pathology and Laboratory Medicine, Sinai Health System
Classification: Likely pathogenic for Ciliary dyskinesia, primary, 40. Last evaluated: 2023-04-11. Review status: criteria provided, single submitter. Criteria: ACMG Guidelines, 2015. Collection method: research. Allele origin: germline.

Blueprint Genetics
Classification: Likely pathogenic for DNAH9-related disorders. Last evaluated: 2022-01-10. Review status: criteria provided, single submitter. Criteria: ACMG Guidelines, 2015. Collection method: clinical testing. Allele origin: germline. Affected: yes. Observed: 2 variant alleles.

Literature cited by the submitters: PubMed 30471718 (cited by Labcorp Genetics (formerly Invitae), Labcorp); PubMed 31932770 (cited by Johns Hopkins Genomics, Johns Hopkins University).